The following is an entry in ClinVar:

NM_003823.4(TNFRSF6B):c.551C>T (p.Pro184Leu)

Genes: RTEL1-TNFRSF6B (RTEL1-TNFRSF6B readthrough (NMD candidate); plus strand), TNFRSF6B (TNF receptor superfamily member 6b; plus strand). Cytogenetic location: 20q13.33.
Variant type: single nucleotide variant.
Coding change: c.551C>T on transcript NM_003823.4 (MANE Select); coding-DNA position 551, C replaced by T.
Protein change: p.Pro184Leu; replaces proline 184 with leucine.
Molecular consequence: missense variant. On other transcripts: non-coding transcript variant (1).
Genome position (GRCh38, 1-based): chr20:63,697,454, C>T. VCF-style: chr20-63697454-C-T. GRCh37 (hg19) VCF-style: chr20-62328807-C-T.
Other names: short protein forms P184L.
Identifiers: ClinVar variation 3686947 (VCV003686947.2).

ClinVar aggregate classification (germline): Uncertain significance (1 of 4 stars; one submission).

gnomAD v4.1: 1 of 1,595,942 alleles (0.000063%); highest among the groups gnomAD compares: Non-Finnish European, 0.000085%; no homozygotes.

Submission:

Labcorp Genetics (formerly Invitae), Labcorp
Classification: Uncertain significance. Last evaluated: 2024-06-09. Review status: criteria provided, single submitter. Criteria: Invitae Variant Classification Sherloc (09022015). Collection method: clinical testing. Allele origin: germline.
Comment: This sequence change replaces proline, which is neutral and non-polar, with leucine, which is neutral and non-polar, at codon 184 of the TNFRSF6B protein (p.Pro184Leu). This variant is not present in population databases (gnomAD no frequency). This variant has not been reported in the literature in individuals affected with TNFRSF6B-related conditions. An algorithm developed to predict the effect of missense changes on protein structure and function (PolyPhen-2) suggests that this variant is likely to be tolerated. In summary, the available evidence is currently insufficient to determine the role of this variant in disease. Therefore, it has been classified as a Variant of Uncertain Significance.